The following is an entry in ClinVar:

ClinVar aggregate classification (germline): Uncertain significance (1 of 4 stars; one submission).

Conditions:
Werner syndrome (WRN). Identifiers: Orphanet 902, MedGen C0043119, MONDO:0010196, OMIM 277700.

Submission:

Labcorp Genetics (formerly Invitae), Labcorp
Classification: Uncertain significance for Werner syndrome. Last evaluated: 2017-09-17. Review status: criteria provided, single submitter. Criteria: Invitae Variant Classification Sherloc (09022015). Collection method: clinical testing. Allele origin: germline.
Comment: In summary, this is a novel in-frame deletion with uncertain impact on protein function. It has been classified as a Variant of Uncertain Significance. Experimental studies and prediction algorithms are not available for this variant, and the functional significance of the deleted amino acids is currently unknown. This variant is not present in population databases (ExAC no frequency) and has not been reported in the literature in individuals with a WRN-related disease. This sequence change deletes 12 nucleotides from exon 3 of the WRN mRNA (c.106_117delCGGAAGAGTGTT). This leads to the deletion of 4 amino acid residues in the WRN protein (p.Arg36_Val39del) but otherwise preserves the integrity of the reading frame.

NM_000553.6(WRN):c.106_117del (p.Arg36_Val39del)

Gene: WRN (WRN RecQ like helicase; plus strand). Cytogenetic location: 8p12.
Variant type: Deletion.
Coding change: c.106_117del on transcript NM_000553.6 (MANE Select); coding-DNA positions 106 to 117, 12 bases deleted (CGGAAGAGTGTT).
Protein change: p.Arg36_Val39del.
Molecular consequence: inframe deletion.
Genome position (GRCh38, 1-based): chr8:31,059,162-31,059,173, CGGAAGAGTGTT deleted; deleting any 12 consecutive bases within chr8:31,059,157-31,059,173 gives the same sequence; the c. name uses the placement nearest the transcript's 3' end. VCF-style (leftmost placement, unchanged base first): chr8-31059156-TGTGTTCGGAAGA-T. GRCh37 (hg19) VCF-style: chr8-30916672-TGTGTTCGGAAGA-T.
Identifiers: ClinVar variation 458374 (VCV000458374.5), dbSNP rs1343635332, ClinGen allele CA580993857.
Genomic context (GRCh38, chr8:31,059,156, plus strand): 5'-GAACATTTGTTATTTGATGTGAACTTTGTGCCTGTTTTGAAATTTACTAAACTCAAGGCA[TGTGTTCGGAAGA>T]GTGTTTTTGAAGATGACCTCCCCTTCTTAGAATTCACTGGATCCATTGTGTATAGTTACG-3'